The following is an entry in ClinVar:

NM_007194.4(CHEK2):c.1110G>T (p.Gly370=)

Gene: CHEK2 (checkpoint kinase 2; minus strand). Cytogenetic location: 22q12.1.
Variant type: single nucleotide variant.
Coding change: c.1110G>T on transcript NM_007194.4 (MANE Select); coding-DNA position 1110, G replaced by T.
Protein change: p.Gly370=; no amino-acid change (glycine 370 retained).
Molecular consequence: synonymous variant.
Genome position (GRCh38, 1-based): chr22:28,695,859, C>A on the plus strand (G>T on the coding strand, the complement: CHEK2 is on the minus strand). VCF-style: chr22-28695859-C-A. GRCh37 (hg19) VCF-style: chr22-29091847-C-A.
Other names: c.1239G>T, p.Gly413= (NM_001005735.3); c.447G>T, p.Gly149= (NM_001257387.3); c.909G>T, p.Gly303= (NM_001349956.3); c.1023G>T, p.Gly341= (NM_145862.3).
Identifiers: ClinVar variation 1094835 (VCV001094835.11), dbSNP rs1555913920, ClinGen allele CA513944948.
Genomic context (GRCh38, chr22:28,695,859, plus strand): 5'-GTAGGTGGGGGTTCCACATAAGGTTCTCATGAGAGAGGTCTCTCCCAAAATCTTGGAGTG[C>A]CCAAAATCAGTAATCTAAAATTCAGTACAAAAGGGAATAATGTTGAACTTGCCATAAAAT-3'
Protein context (NP_009125.1, residues 360-380): EDCLIKITDF[Gly370=]HSKILGETSL

ClinVar aggregate classification (germline): Benign/Likely benign. Review status: criteria provided, multiple submitters, no conflicts (2 of 4 stars). 2 submissions from 2 submitters: Benign (1); Likely benign (1). Last evaluated 2024-10-04.

Conditions:
Familial cancer of breast. Also called: hereditary breast carcinoma; Hereditary breast cancer; BREAST CANCER, FAMILIAL. Identifiers: Orphanet 227535, MedGen C0346153, MONDO:0016419, OMIM 114480. Disease mechanism: loss of function.

Submissions (2):

Myriad Genetics, Inc.
Classification: Benign for Familial cancer of breast. Last evaluated: 2024-10-04. Review status: criteria provided, single submitter. Criteria: Myriad Autosomal Dominant, Autosomal Recessive and X-Linked Classification Criteria (2023). Collection method: clinical testing. Allele origin: unknown.
Comment: This variant is considered benign. This variant is a silent/synonymous amino acid change and it is not expected to impact splicing.

Labcorp Genetics (formerly Invitae), Labcorp
Classification: Likely benign for Familial cancer of breast. Last evaluated: 2024-09-27. Review status: criteria provided, single submitter. Criteria: Invitae Variant Classification Sherloc (09022015). Collection method: clinical testing. Allele origin: germline.